The following is an entry in ClinVar:

ClinVar aggregate classification (germline): Conflicting classifications of pathogenicity. Review status: criteria provided, conflicting classifications (1 of 4 stars). 2 submissions from 2 submitters: Likely pathogenic (1); Uncertain significance (1). Last evaluated 2026-07-30.

Conditions:
Optic neuropathy. Also called: Optic nerve disorder. Identifiers: MedGen C3887709, MONDO:0002135, HP:0001138.

Allele frequency attached by ClinVar (database versions not stated): TOPMed below 0.00001; gnomAD exomes 0.00001 and 0.00004; ExAC 0.00002.
gnomAD v4.1: 19 of 1,612,402 alleles (0.0012%); highest among the groups gnomAD compares: South Asian, 0.02%; no homozygotes.

Submissions (2):

Genetics Laboratory, Great Ormond Street Hospital NHS Foundation Trust, North Thames Genomic Laboratory Hub
Classification: Likely pathogenic for Optic neuropathy. Last evaluated: 2026-07-30. Review status: criteria provided, single submitter. Criteria: ACGS Best Practice Guidelines for Variant Classification in Rare Disease 2024 v1.2. Collection method: clinical testing. Allele origin: germline. Affected: yes.
Comment: PM2_moderate, PP3_supporting, PM3_strong, PP4_supporting

GeneDx
Classification: Uncertain significance. Last evaluated: 2023-11-16. Review status: criteria provided, single submitter. Criteria: GeneDx Variant Classification Process June 2021. Collection method: clinical testing. Allele origin: germline. Affected: yes.
Comment: In silico analysis, which includes protein predictors and evolutionary conservation, supports a deleterious effect; This variant is associated with the following publications: (PMID: 32179840)

NM_006005.3(WFS1):c.1553T>A (p.Met518Lys)

Gene: WFS1 (wolframin ER transmembrane glycoprotein; plus strand). Cytogenetic location: 4p16.1.
Variant type: single nucleotide variant.
Coding change: c.1553T>A on transcript NM_006005.3 (MANE Select); coding-DNA position 1553, T replaced by A.
Protein change: p.Met518Lys; replaces methionine 518 with lysine.
Molecular consequence: missense variant.
Genome position (GRCh38, 1-based): chr4:6,301,348, T>A. VCF-style: chr4-6301348-T-A. GRCh37 (hg19) VCF-style: chr4-6303075-T-A.
Other names: c.1553T>A, p.Met518Lys (NM_001145853.1); short protein forms M518K.
Identifiers: ClinVar variation 1320487 (VCV001320487.5), dbSNP rs771595129, ClinGen allele CA2839402.